The following is an entry in ClinVar:

ClinVar aggregate classification (germline): Pathogenic (1 of 4 stars; one submission).

Conditions:
Autosomal dominant Alport syndrome (ATS3A). Also called: Alport syndrome dominant type; Renal failure and sensorineural hearing loss; ALPORT SYNDROME 3A, AUTOSOMAL DOMINANT. Identifiers: Orphanet 63, Orphanet 88918, MedGen C5882663, MONDO:0007086, OMIM 104200.

Submission:

MVZ Medizinische Genetik Mainz
Classification: Pathogenic for Autosomal dominant Alport syndrome. Last evaluated: 2022-03-30. Review status: criteria provided, single submitter. Criteria: UK Practice Guidelines For Variant Classification V4 01 2020. Collection method: clinical testing. Allele origin: germline. Inheritance: Autosomal dominant inheritance. Affected: yes. Observed: 1 variant allele.
Comment: ACMG Criteria: PVS1, PM2_SUP, PP4

NM_000091.5(COL4A3):c.3324dup (p.Pro1109fs)

Genes: COL4A3 (collagen type IV alpha 3 chain; plus strand), MFF-DT (MFF divergent transcript; minus strand). Cytogenetic location: 2q36.3.
Variant type: Duplication.
Coding change: c.3324dup on transcript NM_000091.5 (MANE Select); coding-DNA position 3324, one base duplicated (T; older notation c.3324dupT).
Protein change: p.Pro1109fs; shifts the reading frame from proline 1109.
Molecular consequence: frameshift variant.
Genome position (GRCh38, 1-based): chr2:227,293,304, T duplicated. VCF-style (leftmost placement, unchanged base first): chr2-227293303-G-GT. GRCh37 (hg19) VCF-style: chr2-228158019-G-GT.
Other names: short protein forms P1109fs.
Identifiers: ClinVar variation 3235969 (VCV003235969.1), dbSNP rs2469850303, ClinGen allele CA2825001098.
Genomic context (GRCh38, chr2:227,293,303, plus strand): 5'-CTGGCCCACCTGGACATTTGGGGCCTGCTGGACCTGAGGGAGCCCCTGGAAGTCCTGGAA[G>GT]TCCTGGCCTCCCAGGTAAGGCTTGAGTTTACAATTCTAAAAGCTGGAAGCATTACTCAGA-3'